The following is an entry in ClinVar:

ClinVar aggregate classification (germline): Uncertain significance. Review status: criteria provided, multiple submitters, no conflicts (2 of 4 stars). 2 submissions from 2 submitters: Uncertain significance (2). Last evaluated 2025-02-07.

Conditions:
Inborn genetic diseases. Identifiers: MedGen C0950123, MeSH D030342.
Charcot-Marie-Tooth disease type 4. Also called: Charcot-Marie-Tooth, Type 4; Charcot-Marie-Tooth disease, type IV. Identifiers: Orphanet 64749, MedGen C4082197, MONDO:0018995.

Allele frequency attached by ClinVar (database versions not stated): gnomAD exomes below 0.00001 and 0.00001; gnomAD 0.00001.
gnomAD v4.1: 9 of 1,585,474 alleles (0.00057%); highest among the groups gnomAD compares: Admixed American, 0.0017%; no homozygotes.

Submissions (2):

Ambry Genetics
Classification: Uncertain significance for Inborn genetic diseases. Last evaluated: 2025-02-07. Review status: criteria provided, single submitter. Criteria: Ambry Variant Classification Scheme 2023. Collection method: clinical testing. Allele origin: germline.

Labcorp Genetics (formerly Invitae), Labcorp
Classification: Uncertain significance for Charcot-Marie-Tooth disease type 4. Last evaluated: 2024-12-02. Review status: criteria provided, single submitter. Criteria: Invitae Variant Classification Sherloc (09022015). Collection method: clinical testing. Allele origin: germline.
Comment: This sequence change replaces methionine, which is neutral and non-polar, with threonine, which is neutral and polar, at codon 537 of the SBF2 protein (p.Met537Thr). This variant is present in population databases (no rsID available, gnomAD 0.003%). This variant has not been reported in the literature in individuals affected with SBF2-related conditions. ClinVar contains an entry for this variant (Variation ID: 543411). Invitae Evidence Modeling of protein sequence and biophysical properties (such as structural, functional, and spatial information, amino acid conservation, physicochemical variation, residue mobility, and thermodynamic stability) indicates that this missense variant is not expected to disrupt SBF2 protein function with a negative predictive value of 80%. In summary, the available evidence is currently insufficient to determine the role of this variant in disease. Therefore, it has been classified as a Variant of Uncertain Significance.

NM_030962.4(SBF2):c.1610T>C (p.Met537Thr)

Gene: SBF2 (SET binding factor 2; minus strand). Cytogenetic location: 11p15.4.
Variant type: single nucleotide variant.
Coding change: c.1610T>C on transcript NM_030962.4 (MANE Select); coding-DNA position 1610, T replaced by C.
Protein change: p.Met537Thr; replaces methionine 537 with threonine.
Molecular consequence: missense variant.
Genome position (GRCh38, 1-based): chr11:9,963,873, A>G on the plus strand (T>C on the coding strand, the complement: SBF2 is on the minus strand). VCF-style: chr11-9963873-A-G. GRCh37 (hg19) VCF-style: chr11-9985420-A-G.
Other names: c.1610T>C, p.Met537Thr (NM_001386339.1); c.1481T>C, p.Met494Thr (NM_001386342.1); short protein forms M537T, M494T.
Identifiers: ClinVar variation 543411 (VCV000543411.12), dbSNP rs1278738726, ClinGen allele CA379645075.